The following is an entry in ClinVar:

NM_015272.5(RPGRIP1L):c.1244-3A>C

Gene: RPGRIP1L (RPGRIP1 like; minus strand). Cytogenetic location: 16q12.2.
Variant type: single nucleotide variant.
Coding change: c.1244-3A>C on transcript NM_015272.5 (MANE Select); 3 bases into the intron before coding-DNA position 1244, A replaced by C.
Molecular consequence: intron variant.
Genome position (GRCh38, 1-based): chr16:53,658,881, T>G on the plus strand (A>C on the coding strand, the complement: RPGRIP1L is on the minus strand). VCF-style: chr16-53658881-T-G. GRCh37 (hg19) VCF-style: chr16-53692793-T-G.
Other names: c.1244-3A>C (NM_001127897.4, NM_001330538.2, NM_001308334.3).
Identifiers: ClinVar variation 2172390 (VCV002172390.4), dbSNP rs2544311185, ClinGen allele CA2580091713.
Genomic context (GRCh38, chr16:53,658,881, plus strand): 5'-TGTTCCAGATACTGTAACTGTAGTTCTCTATTCTCTTGAACGAGTTTTTCATTTTGATCT[T>G]AAAAATAAAGTCCACACAATTGGAAAGGTAAGTAAAAATCAGGTTTAAGGACACATTTCA-3'

ClinVar aggregate classification (germline): Uncertain significance (1 of 4 stars; one submission).

Conditions:
Joubert syndrome. Also called: CEREBELLOPARENCHYMAL DISORDER IV; JOUBERT-BOLTSHAUSER SYNDROME; Familial aplasia of the vermis. Identifiers: Orphanet 475, MedGen C5979921, MONDO:0018772.
Meckel-Gruber syndrome. Also called: DYSENCEPHALIA SPLANCHNOCYSTICA; GRUBER SYNDROME; Dysencephalia splachnocystica. Identifiers: Orphanet 564, MedGen C0265215, MONDO:0018921.

Submission:

Labcorp Genetics (formerly Invitae), Labcorp
Classification: Uncertain significance for Joubert syndrome; Meckel-Gruber syndrome. Last evaluated: 2024-05-06. Review status: criteria provided, single submitter. Criteria: Invitae Variant Classification Sherloc (09022015). Collection method: clinical testing. Allele origin: germline.
Comment: This sequence change falls in intron 10 of the RPGRIP1L gene. It does not directly change the encoded amino acid sequence of the RPGRIP1L protein. It affects a nucleotide within the consensus splice site. This variant is not present in population databases (gnomAD no frequency). This variant has not been reported in the literature in individuals affected with RPGRIP1L-related conditions. ClinVar contains an entry for this variant (Variation ID: 2172390). Variants that disrupt the consensus splice site are a relatively common cause of aberrant splicing (PMID: 17576681, 9536098). Algorithms developed to predict the effect of sequence changes on RNA splicing suggest that this variant is not likely to affect RNA splicing. In summary, the available evidence is currently insufficient to determine the role of this variant in disease. Therefore, it has been classified as a Variant of Uncertain Significance.

Literature cited by the submitters: PubMed 17576681; PubMed 9536098.